The following is an entry in ClinVar:

NM_001267550.2(TTN):c.103694T>C (p.Met34565Thr)

Genes: TTN (titin; minus strand), TTN-AS1 (TTN antisense RNA 1; plus strand). Cytogenetic location: 2q31.2.
Variant type: single nucleotide variant.
Coding change: c.103694T>C on transcript NM_001267550.2 (MANE Select); coding-DNA position 103694, T replaced by C.
Protein change: p.Met34565Thr; replaces methionine 34565 with threonine.
Molecular consequence: missense variant.
Genome position (GRCh38, 1-based): chr2:178,532,921, A>G on the plus strand (T>C on the coding strand, the complement: TTN is on the minus strand). VCF-style: chr2-178532921-A-G. GRCh37 (hg19) VCF-style: chr2-179397648-A-G.
Other names: c.98771T>C, p.Met32924Thr (NM_001256850.1); c.76499T>C, p.Met25500Thr (NM_003319.4); c.95990T>C, p.Met31997Thr (NM_133378.4); c.76874T>C, p.Met25625Thr (NM_133432.3); c.77075T>C, p.Met25692Thr (NM_133437.4); short protein forms M31997T, M34565T, M32924T, M25500T, M25625T, M25692T.
Identifiers: ClinVar variation 2142470 (VCV002142470.4), dbSNP rs2468470670, ClinGen allele CA349413718.

ClinVar aggregate classification (germline): Uncertain significance (1 of 4 stars; one submission).

Conditions:
Dilated cardiomyopathy 1G (CMD1G). Identifiers: Orphanet 154, MedGen C1858763, MONDO:0011400, OMIM 604145.
Autosomal recessive limb-girdle muscular dystrophy type 2J (LGMDR10). Also called: Limb-girdle muscular dystrophy, type 2J; MUSCULAR DYSTROPHY, LIMB-GIRDLE, AUTOSOMAL RECESSIVE 10. Identifiers: Orphanet 140922, MedGen C1837342, MONDO:0012127, OMIM 608807.

Allele frequency attached by ClinVar (database versions not stated): gnomAD exomes below 0.00001.
gnomAD v4.1: 4 of 1,613,912 alleles (0.00025%); highest among the groups gnomAD compares: Non-Finnish European, 0.00034%; no homozygotes.

Submission:

Labcorp Genetics (formerly Invitae), Labcorp
Classification: Uncertain significance for Dilated cardiomyopathy 1G; Autosomal recessive limb-girdle muscular dystrophy type 2J. Last evaluated: 2022-07-19. Review status: criteria provided, single submitter. Criteria: Invitae Variant Classification Sherloc (09022015). Collection method: clinical testing. Allele origin: germline.
Comment: In summary, the available evidence is currently insufficient to determine the role of this variant in disease. Therefore, it has been classified as a Variant of Uncertain Significance. This variant is located in the M band of TTN (PMID: 25589632). Variants in this region may be relevant for neuromuscular disorders, but have not been definitively shown to cause cardiomyopathy (PMID: 23975875). Experimental studies and prediction algorithms are not available or were not evaluated, and the functional significance of this variant is currently unknown. This variant has not been reported in the literature in individuals affected with TTN-related conditions. This variant is not present in population databases (gnomAD no frequency). This sequence change replaces methionine, which is neutral and non-polar, with threonine, which is neutral and polar, at codon 34565 of the TTN protein (p.Met34565Thr).

Literature cited by the submitters: PubMed 25589632; PubMed 23975875.